The following is an entry in ClinVar:

ClinVar aggregate classification (germline): Uncertain significance (1 of 4 stars; one submission).

gnomAD v4.1: 2 of 1,613,920 alleles (0.00012%); highest among the groups gnomAD compares: Non-Finnish European, 0.00017%; no homozygotes.

Submission:

GeneDx
Classification: Uncertain significance. Last evaluated: 2024-06-17. Review status: criteria provided, single submitter. Criteria: GeneDx Variant Classification Process June 2021. Collection method: clinical testing. Allele origin: germline. Affected: yes.
Comment: Not observed at significant frequency in large population cohorts (gnomAD); In silico analysis supports that this missense variant has a deleterious effect on protein structure/function; Has not been previously published as pathogenic or benign to our knowledge

NM_002235.5(KCNA6):c.1312G>A (p.Val438Met)

Genes: KCNA6 (potassium voltage-gated channel subfamily A member 6; plus strand), KCNA6-AS1 (KCNA6 antisense RNA 1; minus strand). Cytogenetic location: 12p13.32.
Variant type: single nucleotide variant.
Coding change: c.1312G>A on transcript NM_002235.5 (MANE Select); coding-DNA position 1312, G replaced by A.
Protein change: p.Val438Met; replaces valine 438 with methionine.
Molecular consequence: missense variant. On other transcripts: non-coding transcript variant (3).
Genome position (GRCh38, 1-based): chr12:4,811,353, G>A. VCF-style: chr12-4811353-G-A. GRCh37 (hg19) VCF-style: chr12-4920519-G-A.
Other names: short protein forms V438M.
Identifiers: ClinVar variation 3392652 (VCV003392652.1).
Genomic context (GRCh38, chr12:4,811,353, plus strand): 5'-GTTACAATGACCACGGTAGGTTACGGGGACATGTACCCCATGACTGTGGGGGGAAAGATC[G>A]TGGGCTCGCTGTGTGCCATCGCTGGGGTCCTCACCATTGCCCTGCCTGTGCCCGTCATCG-3'
Protein context (NP_002226.1, residues 428-448): MYPMTVGGKI[Val438Met]GSLCAIAGVL